The following is an entry in ClinVar:

ClinVar aggregate classification (germline): Uncertain significance. Review status: criteria provided, multiple submitters, no conflicts (2 of 4 stars). 2 submissions from 2 submitters: Uncertain significance (2). Last evaluated 2025-12-31.

Conditions:
Myofibrillar myopathy 6. Identifiers: Orphanet 199340, MedGen C2751831, MONDO:0013061, OMIM 612954.
Dilated cardiomyopathy 1HH (CMD1HH). Identifiers: Orphanet 154, MedGen C3151293, MONDO:0013479, OMIM 613881.
Cardiovascular phenotype. Identifiers: MedGen CN230736.

Allele frequency attached by ClinVar (database versions not stated): gnomAD exomes below 0.00001; TOPMed below 0.00001; gnomAD 0.00001.
gnomAD v4.1: 6 of 1,614,022 alleles (0.00037%); highest among the groups gnomAD compares: Non-Finnish European, 0.00042%; no homozygotes.

Submissions (2):

Labcorp Genetics (formerly Invitae), Labcorp
Classification: Uncertain significance for Dilated cardiomyopathy 1HH; Myofibrillar myopathy 6. Last evaluated: 2025-12-31. Review status: criteria provided, single submitter. Criteria: Invitae Variant Classification Sherloc (09022015). Collection method: clinical testing. Allele origin: germline.
Comment: This sequence change replaces glutamic acid, which is acidic and polar, with glutamine, which is neutral and polar, at codon 548 of the BAG3 protein (p.Glu548Gln). This variant is present in population databases (no rsID available, gnomAD no frequency). This variant has not been reported in the literature in individuals affected with BAG3-related conditions. ClinVar contains an entry for this variant (Variation ID: 574158). Invitae Evidence Modeling of protein sequence and biophysical properties (such as structural, functional, and spatial information, amino acid conservation, physicochemical variation, residue mobility, and thermodynamic stability) indicates that this missense variant is not expected to disrupt BAG3 protein function with a negative predictive value of 80%. In summary, the available evidence is currently insufficient to determine the role of this variant in disease. Therefore, it has been classified as a Variant of Uncertain Significance.

Ambry Genetics
Classification: Uncertain significance for Cardiovascular phenotype. Last evaluated: 2024-10-29. Review status: criteria provided, single submitter. Criteria: Ambry Variant Classification Scheme 2023. Collection method: clinical testing. Allele origin: germline.
Comment: The p.E548Q variant (also known as c.1642G>C), located in coding exon 4 of the BAG3 gene, results from a G to C substitution at nucleotide position 1642. The glutamic acid at codon 548 is replaced by glutamine, an amino acid with highly similar properties. This amino acid position is well conserved in available vertebrate species. In addition, this alteration is predicted to be tolerated by in silico analysis. Based on the available evidence, the clinical significance of this variant remains unclear.

NM_004281.4(BAG3):c.1642G>C (p.Glu548Gln)

Gene: BAG3 (BAG cochaperone 3; plus strand). Cytogenetic location: 10q26.11.
Variant type: single nucleotide variant.
Coding change: c.1642G>C on transcript NM_004281.4 (MANE Select); coding-DNA position 1642, G replaced by C.
Protein change: p.Glu548Gln; replaces glutamic acid 548 with glutamine.
Molecular consequence: missense variant.
Genome position (GRCh38, 1-based): chr10:119,677,196, G>C. VCF-style: chr10-119677196-G-C. GRCh37 (hg19) VCF-style: chr10-121436708-G-C.
Other names: short protein forms E548Q.
Identifiers: ClinVar variation 574158 (VCV000574158.11), dbSNP rs1335289497, ClinGen allele CA378297761.